The following is an entry in ClinVar:

ClinVar aggregate classification (germline): Likely pathogenic (1 of 4 stars; one submission).

Conditions:
Polycystic kidney disease 2 (PKD2). Also called: POLYCYSTIC KIDNEY DISEASE, ADULT, TYPE II; Polycystic Kidney Disease 2, Autosomal Dominant; POLYCYSTIC KIDNEY DISEASE 2 WITH OR WITHOUT POLYCYSTIC LIVER DISEASE. Identifiers: MedGen C2751306, MONDO:0013131, OMIM 613095.

Submission:

Department of Human Genetics, Hannover Medical School
Classification: Likely pathogenic for Polycystic kidney disease 2. Last evaluated: 2026-01-08. Review status: criteria provided, single submitter. Criteria: ACMG Guidelines, 2015. Collection method: clinical testing. Allele origin: germline. Affected: yes.
Comment: PVS1, PM2_Supporting

NM_000297.4(PKD2):c.2067dup (p.Asp690Ter)

Gene: PKD2 (polycystin 2, transient receptor potential cation channel; plus strand). Cytogenetic location: 4q22.1.
Variant type: Duplication.
Coding change: c.2067dup on transcript NM_000297.4 (MANE Select); coding-DNA position 2067, one base duplicated (T; older notation c.2067dupT).
Protein change: p.Asp690Ter; replaces aspartic acid 690 with a stop codon.
Molecular consequence: nonsense. On other transcripts: non-coding transcript variant (1).
Genome position (GRCh38, 1-based): chr4:88,061,953, T duplicated. VCF-style (leftmost placement, unchanged base first): chr4-88061952-C-CT. GRCh37 (hg19) VCF-style: chr4-88983104-C-CT.
Other names: c.1842dup, p.Asp615Ter (NM_001440544.1); short protein forms D615*, D690*.
Identifiers: ClinVar variation 4681198 (VCV004681198.1).